The following is an entry in ClinVar:

NM_003076.5(SMARCD1):c.1160C>A (p.Thr387Lys)

Gene: SMARCD1 (SWI/SNF related BAF chromatin remodeling complex subunit D1; plus strand). Cytogenetic location: 12q13.12.
Variant type: single nucleotide variant.
Coding change: c.1160C>A on transcript NM_003076.5 (MANE Select); coding-DNA position 1160, C replaced by A.
Protein change: p.Thr387Lys; replaces threonine 387 with lysine.
Molecular consequence: missense variant.
Genome position (GRCh38, 1-based): chr12:50,094,463, C>A. VCF-style: chr12-50094463-C-A. GRCh37 (hg19) VCF-style: chr12-50488246-C-A.
Other names: c.1160C>A, p.Thr387Lys (NM_139071.3); short protein forms T387K.
Identifiers: ClinVar variation 3906064 (VCV003906064.10).
Genomic context (GRCh38, chr12:50,094,463, plus strand): 5'-GCTCTTTACCAGGCTCCTTTGGTTTCCTGTCCAGTGTTGACCCGAATGATCAGAAAAAGA[C>A]AGCTTGTTATGACATTGATGTTGAAGTGGATGACACCTTGAAGACCCAGATGAATTCTTT-3'
Protein context (NP_003067.3, residues 377-397): ISVDPNDQKK[Thr387Lys]ACYDIDVEVD

ClinVar aggregate classification (germline): Uncertain significance (1 of 4 stars; one submission).

Submission:

CeGaT Center for Human Genetics Tuebingen
Classification: Uncertain significance. Last evaluated: 2025-06-01. Review status: criteria provided, single submitter. Criteria: CeGaT Center For Human Genetics Tuebingen Variant Classification Criteria Version 2. Collection method: clinical testing. Allele origin: germline. Affected: yes. Observed: 1 variant allele.
Comment: SMARCD1: PM2